The following is an entry in ClinVar:

NM_005883.3(APC2):c.5682C>T (p.Thr1894=)

Gene: APC2 (APC regulator of Wnt signaling pathway 2; plus strand). Cytogenetic location: 19p13.3.
Variant type: single nucleotide variant.
Coding change: c.5682C>T on transcript NM_005883.3 (MANE Select); coding-DNA position 5682, C replaced by T.
Protein change: p.Thr1894=; no amino-acid change (threonine 1894 retained).
Molecular consequence: synonymous variant.
Genome position (GRCh38, 1-based): chr19:1,468,983, C>T. VCF-style: chr19-1468983-C-T. GRCh37 (hg19) VCF-style: chr19-1468982-C-T.
Other names: c.5679C>T, p.Thr1893= (NM_001351273.1).
Identifiers: ClinVar variation 4874147 (VCV004874147.2).

ClinVar aggregate classification (germline): Likely benign (1 of 4 stars; one submission).

gnomAD v4.1: 18 of 1,561,430 alleles (0.0012%); highest among the groups gnomAD compares: Admixed American, 0.029%; no homozygotes.

Submission:

CeGaT Center for Human Genetics Tuebingen
Classification: Likely benign. Last evaluated: 2026-05-01. Review status: criteria provided, single submitter. Criteria: CeGaT Center For Human Genetics Tuebingen Variant Classification Criteria Version 2. Collection method: clinical testing. Allele origin: germline. Affected: yes. Observed: 1 variant allele.
Comment: APC2: BP4, BP7